The following is an entry in ClinVar:

ClinVar aggregate classification (germline): Benign/Likely benign. Review status: criteria provided, multiple submitters, no conflicts (2 of 4 stars). 3 submissions from 3 submitters: Benign (1); Likely benign (2). Last evaluated 2025-03-11.

Conditions:
Hereditary cancer-predisposing syndrome. Also called: Hereditary Cancer Syndrome; Neoplastic Syndromes, Hereditary; Tumor predisposition; Hereditary neoplastic syndrome. Identifiers: Orphanet 140162, MedGen C0027672, MeSH D009386, MONDO:0015356.
Mitochondrial complex II deficiency, nuclear type 1. Also called: SUCCINATE CoQ REDUCTASE DEFICIENCY. Identifiers: Orphanet 3208, MedGen C5700310, MONDO:0100294, OMIM 252011.
Pheochromocytoma/paraganglioma syndrome 5. Also called: Paragangliomas 5; SDHA-Related Hereditary Paraganglioma-Pheochromocytoma Syndrome. Identifiers: Orphanet 29072, MedGen C3279992, MONDO:0013602, OMIM 614165.

gnomAD v4.1: 6 of 1,578,782 alleles (0.00038%); highest among the groups gnomAD compares: East Asian, 0.0023%; no homozygotes.

Submissions (3):

Myriad Genetics, Inc.
Classification: Benign for Pheochromocytoma/paraganglioma syndrome 5. Last evaluated: 2025-03-11. Review status: criteria provided, single submitter. Criteria: Myriad Autosomal Dominant, Autosomal Recessive and X-Linked Classification Criteria (2023). Collection method: clinical testing. Allele origin: unknown.
Comment: This variant is considered benign. This variant is a silent/synonymous amino acid change and it is not expected to impact splicing.

Labcorp Genetics (formerly Invitae), Labcorp
Classification: Likely benign for Pheochromocytoma/paraganglioma syndrome 5; Mitochondrial complex II deficiency, nuclear type 1. Last evaluated: 2024-04-05. Review status: criteria provided, single submitter. Criteria: Invitae Variant Classification Sherloc (09022015). Collection method: clinical testing. Allele origin: germline.

Ambry Genetics
Classification: Likely benign for Hereditary cancer-predisposing syndrome. Last evaluated: 2020-12-29. Review status: criteria provided, single submitter. Criteria: Ambry Variant Classification Scheme 2023. Collection method: clinical testing. Allele origin: germline.

NM_004168.4(SDHA):c.1884C>G (p.Ser628=)

Gene: SDHA (succinate dehydrogenase complex flavoprotein subunit A; plus strand). Cytogenetic location: 5p15.33.
Variant type: single nucleotide variant.
Coding change: c.1884C>G on transcript NM_004168.4 (MANE Select); coding-DNA position 1884, C replaced by G.
Protein change: p.Ser628=; no amino-acid change (serine 628 retained).
Molecular consequence: synonymous variant.
Genome position (GRCh38, 1-based): chr5:254,482, C>G. VCF-style: chr5-254482-C-G. GRCh37 (hg19) VCF-style: chr5-254597-C-G.
Other names: c.1740C>G, p.Ser580= (NM_001294332.2); c.1641C>G, p.Ser547= (NM_001330758.2).
Identifiers: ClinVar variation 943099 (VCV000943099.13), dbSNP rs1224468457, ClinGen allele CA359002142.